The following is an entry in ClinVar:

NM_000093.5(COL5A1):c.2233-11G>A

Gene: COL5A1 (collagen type V alpha 1 chain; plus strand). Cytogenetic location: 9q34.3.
Variant type: single nucleotide variant.
Coding change: c.2233-11G>A on transcript NM_000093.5 (MANE Select); 11 bases into the intron before coding-DNA position 2233, G replaced by A.
Molecular consequence: intron variant.
Genome position (GRCh38, 1-based): chr9:134,768,399, G>A. VCF-style: chr9-134768399-G-A. GRCh37 (hg19) VCF-style: chr9-137660245-G-A.
Other names: c.2233-11G>A (NM_001278074.1).
Identifiers: ClinVar variation 2793964 (VCV002793964.4), dbSNP rs1310809698, ClinGen allele CA591110859.

ClinVar aggregate classification (germline): Likely benign. Review status: criteria provided, multiple submitters, no conflicts (2 of 4 stars). 2 submissions from 2 submitters: Likely benign (2). Last evaluated 2024-07-30.

Conditions:
Ehlers-Danlos syndrome, classic type, 1 (EDSCL1). Also called: EHLERS-DANLOS SYNDROME, GRAVIS TYPE; EHLERS-DANLOS SYNDROME, SEVERE CLASSIC TYPE; Ehlers-Danlos syndrome, type 1; Ehlers-Danlos Syndrome, Classic Type, COL5A1-Related; EDS I. Identifiers: MedGen C0268335, MONDO:0019567, OMIM 130000.

Allele frequency attached by ClinVar (database versions not stated): gnomAD exomes below 0.00001; gnomAD 0.00001; TOPMed below 0.00001.
gnomAD v4.1: 2 of 1,613,768 alleles (0.00012%); highest among the groups gnomAD compares: Non-Finnish European, 0.00017%; no homozygotes.

Submissions (2):

Women's Health and Genetics/Laboratory Corporation of America, LabCorp
Classification: Likely benign. Last evaluated: 2024-07-30. Review status: criteria provided, single submitter. Criteria: LabCorp Variant Classification Summary - May 2015. Collection method: clinical testing. Allele origin: germline.
Comment: Variant summary: COL5A1 c.2233-11G>A alters a non-conserved nucleotide located at a position not widely known to affect splicing. Consensus agreement among computation tools predict no significant impact on normal splicing. However, these predictions have yet to be confirmed by functional studies. The variant allele was found at a frequency of 4e-06 in 251434 control chromosomes. The available data on variant occurrences in the general population are insufficient to allow any conclusion about variant significance. To our knowledge, no occurrence of c.2233-11G>A in individuals affected with COL5A1-related conditions and no experimental evidence demonstrating its impact on protein function have been reported. ClinVar contains an entry for this variant (Variation ID: 2793964). Based on the evidence outlined above, the variant was classified as likely benign.

Labcorp Genetics (formerly Invitae), Labcorp
Classification: Likely benign for Ehlers-Danlos syndrome, classic type, 1. Last evaluated: 2023-11-19. Review status: criteria provided, single submitter. Criteria: Invitae Variant Classification Sherloc (09022015). Collection method: clinical testing. Allele origin: germline.